The following is an entry in ClinVar:

NM_001387690.1(KATNAL2):c.1211+6865C>T

Gene: KATNAL2 (katanin catalytic subunit A1 like 2; plus strand). Cytogenetic location: 18q21.1.
Variant type: single nucleotide variant.
Coding change: c.1211+6865C>T on transcript NM_001387690.1 (MANE Select); 6865 bases into the intron after coding-DNA position 1211, C replaced by T.
Molecular consequence: intron variant.
Genome position (GRCh38, 1-based): chr18:47,084,326, C>T. VCF-style: chr18-47084326-C-T. GRCh37 (hg19) VCF-style: chr18-44610697-C-T.
Other names: c.779+6865C>T (NM_001353904.1, NM_001353908.1); c.1289+6865C>T (NM_001353899.1); c.1286+6865C>T (NM_001353900.1); c.878+6865C>T (NM_001353903.1, NM_001353905.1, NM_001353906.1); c.1211+6865C>T (NM_001353901.1, NM_001367621.1); c.879-32C>T (NM_001353907.1); c.780-6C>T (NM_001353909.1); c.1190+6865C>T (NM_001353902.1); and 1 more.
Identifiers: ClinVar variation 2571013 (VCV002571013.27), dbSNP rs62095457, ClinGen allele CA8955257.
Genomic context (GRCh38, chr18:47,084,326, plus strand): 5'-ATTGCTATAGCAATGCATGCATGTGATTGGAGGGATAAGCAGATGTAACCCTTGTTCTTT[C>T]CATAGTAACCACATGCATTTTTGGGCTCCAGGAAGAAGCTGTCCTCCCTGCCTGCAATCA-3'

ClinVar aggregate classification (germline): Benign (1 of 4 stars; one submission).

Allele frequency attached by ClinVar (database versions not stated): ExAC 0.00305; 1000 Genomes Project 30x 0.00328; 1000 Genomes Project 0.00379; TOPMed 0.00723; gnomAD 0.00842.
gnomAD v4.1: 6,742 of 702,896 alleles (0.96%); highest among the groups gnomAD compares: Non-Finnish European, 1.4%; 64 homozygotes.

Submission:

CeGaT Center for Human Genetics Tuebingen
Classification: Benign. Last evaluated: 2026-10-01. Review status: criteria provided, single submitter. Criteria: CeGaT Center For Human Genetics Tuebingen Variant Classification Criteria Version 2. Collection method: clinical testing. Allele origin: germline. Affected: yes. Observed: 21 variant alleles.
Comment: KATNAL2: BS1, BS2